The following is an entry in ClinVar:

ClinVar aggregate classification (germline): Uncertain significance (1 of 4 stars; one submission).

Conditions:
ZNF292-related disorder. Also called: ZNF292-related condition.

gnomAD v4.1: 1 of 1,611,904 alleles (0.000062%); highest among the groups gnomAD compares: Non-Finnish European, 0.000085%; no homozygotes.

Submission:

PreventionGenetics, part of Exact Sciences
Classification: Uncertain significance for ZNF292-related condition. Last evaluated: 2026-07-30. Review status: criteria provided, single submitter. Criteria: ACMG Guidelines, 2015. Collection method: clinical testing. Allele origin: germline.
Comment: The ZNF292 c.2434A>G variant is predicted to result in the amino acid substitution p.Thr812Ala. To our knowledge, this variant has not been reported in the literature or in a large population database (gnomAD), indicating this variant is rare. At this time, the clinical significance of this variant is uncertain due to the absence of conclusive functional and genetic evidence.

NM_015021.3(ZNF292):c.2434A>G (p.Thr812Ala)

Gene: ZNF292 (zinc finger protein 292; plus strand). Cytogenetic location: 6q14.3.
Variant type: single nucleotide variant.
Coding change: c.2434A>G on transcript NM_015021.3 (MANE Select); coding-DNA position 2434, A replaced by G.
Protein change: p.Thr812Ala; replaces threonine 812 with alanine.
Molecular consequence: missense variant.
Genome position (GRCh38, 1-based): chr6:87,256,063, A>G. VCF-style: chr6-87256063-A-G. GRCh37 (hg19) VCF-style: chr6-87965781-A-G.
Other names: c.2014A>G, p.Thr672Ala (NM_001351444.2); short protein forms T672A, T812A.
Identifiers: ClinVar variation 4985880 (VCV004985880.1).